The following is an entry in ClinVar:

NM_006015.6(ARID1A):c.5623C>T (p.Pro1875Ser)

Gene: ARID1A (AT-rich interaction domain 1A; plus strand). Cytogenetic location: 1p36.11.
Variant type: single nucleotide variant.
Coding change: c.5623C>T on transcript NM_006015.6 (MANE Select); coding-DNA position 5623, C replaced by T.
Protein change: p.Pro1875Ser; replaces proline 1875 with serine.
Molecular consequence: missense variant.
Genome position (GRCh38, 1-based): chr1:26,779,521, C>T. VCF-style: chr1-26779521-C-T. GRCh37 (hg19) VCF-style: chr1-27106012-C-T.
Other names: c.4972C>T, p.Pro1658Ser (NM_139135.4); short protein forms P1658S, P1875S.
Identifiers: ClinVar variation 2630539 (VCV002630539.3), dbSNP rs1295719961, ClinGen allele CA339186106.
Genomic context (GRCh38, chr1:26,779,521, plus strand): 5'-ATCCAGACCCACTTCGAGAGCAAGACAGAGCTGCTGCCTTCCCGGCCTCACGCACCCTGC[C>T]CACCAGCCCCTCGGAAGCATGTGACAACAGCAGAGGGTACACCAGGGACAACAGACCAGG-3'
Protein context (NP_006006.3, residues 1865-1885): LLPSRPHAPC[Pro1875Ser]PAPRKHVTTA

ClinVar aggregate classification (germline): Uncertain significance. Review status: criteria provided, multiple submitters, no conflicts (2 of 4 stars). 3 submissions from 3 submitters: Uncertain significance (3). Last evaluated 2025-04-17.

Conditions:
Inborn genetic diseases. Identifiers: MedGen C0950123, MeSH D030342.
ARID1A-related disorder. Also called: ARID1A-related condition.

Allele frequency attached by ClinVar (database versions not stated): gnomAD 0.00001; TOPMed 0.00002.
gnomAD v4.1: 3 of 1,613,978 alleles (0.00019%); highest among the groups gnomAD compares: Admixed American, 0.0017%; no homozygotes.

Submissions (3):

Labcorp Genetics (formerly Invitae), Labcorp
Classification: Uncertain significance. Last evaluated: 2025-04-17. Review status: criteria provided, single submitter. Criteria: Invitae Variant Classification Sherloc (09022015). Collection method: clinical testing. Allele origin: germline.
Comment: This sequence change replaces proline, which is neutral and non-polar, with serine, which is neutral and polar, at codon 1875 of the ARID1A protein (p.Pro1875Ser). This variant is present in population databases (no rsID available, gnomAD no frequency). This variant has not been reported in the literature in individuals affected with ARID1A-related conditions. ClinVar contains an entry for this variant (Variation ID: 2630539). Invitae Evidence Modeling of protein sequence and biophysical properties (such as structural, functional, and spatial information, amino acid conservation, physicochemical variation, residue mobility, and thermodynamic stability) indicates that this missense variant is not expected to disrupt ARID1A protein function with a negative predictive value of 80%. In summary, the available evidence is currently insufficient to determine the role of this variant in disease. Therefore, it has been classified as a Variant of Uncertain Significance.

Ambry Genetics
Classification: Uncertain significance for Inborn genetic diseases. Last evaluated: 2025-04-03. Review status: criteria provided, single submitter. Criteria: Ambry Variant Classification Scheme 2023. Collection method: clinical testing. Allele origin: germline.

PreventionGenetics, part of Exact Sciences
Classification: Uncertain significance for ARID1A-related condition. Last evaluated: 2023-02-08. Review status: criteria provided, single submitter. Criteria: ACMG Guidelines, 2015. Collection method: clinical testing. Allele origin: germline.
Comment: The ARID1A c.5623C>T variant is predicted to result in the amino acid substitution p.Pro1875Ser. To our knowledge, this variant has not been reported in the literature. This variant is reported in 1 out of ~31,376 alleles in gnomAD. At this time, the clinical significance of this variant is uncertain due to the absence of conclusive functional and genetic evidence.